The following is an entry in ClinVar:

ClinVar aggregate classification (germline): Uncertain significance (1 of 4 stars; one submission).

Submission:

Labcorp Genetics (formerly Invitae), Labcorp
Classification: Uncertain significance. Last evaluated: 2025-03-17. Review status: criteria provided, single submitter. Criteria: Invitae Variant Classification Sherloc (09022015). Collection method: clinical testing. Allele origin: germline.
Comment: This sequence change replaces cysteine, which is neutral and slightly polar, with tyrosine, which is neutral and polar, at codon 21 of the LOX protein (p.Cys21Tyr). This variant is not present in population databases (gnomAD no frequency). This variant has not been reported in the literature in individuals affected with LOX-related conditions. Invitae Evidence Modeling of protein sequence and biophysical properties (such as structural, functional, and spatial information, amino acid conservation, physicochemical variation, residue mobility, and thermodynamic stability) indicates that this missense variant is not expected to disrupt LOX protein function with a negative predictive value of 95%. In summary, the available evidence is currently insufficient to determine the role of this variant in disease. Therefore, it has been classified as a Variant of Uncertain Significance.

NM_002317.7(LOX):c.62G>A (p.Cys21Tyr)

Genes: LOX (lysyl oxidase; minus strand), SRFBP1 (serum response factor binding protein 1; plus strand). Cytogenetic location: 5q23.1.
Variant type: single nucleotide variant.
Coding change: c.62G>A on transcript NM_002317.7 (MANE Select); coding-DNA position 62, G replaced by A.
Protein change: p.Cys21Tyr; replaces cysteine 21 with tyrosine.
Molecular consequence: missense variant.
Genome position (GRCh38, 1-based): chr5:122,077,924, C>T on the plus strand (G>A on the coding strand, the complement: LOX is on the minus strand). VCF-style: chr5-122077924-C-T. GRCh37 (hg19) VCF-style: chr5-121413619-C-T.
Other names: short protein forms C21Y.
Identifiers: ClinVar variation 3684361 (VCV003684361.2).
Genomic context (GRCh38, chr5:122,077,924, plus strand): 5'-GCGCCCGGAGCCGCCGGCGGCTCGCGCGGGGGCTGCTGTTGGCCGGCGGCGGGAGGGGCG[C>T]AGTGCACTAGCGCGCAGAGCTGCAAAGGCCCGAGCAGGAGCACGGTCCAGGCGAAGCGCA-3'
Protein context (NP_002308.2, residues 11-31): GPLQLCALVH[Cys21Tyr]APPAAGQQQP